The following is an entry in ClinVar:

NM_025074.7(FRAS1):c.1255+5G>A

Gene: FRAS1 (Fraser extracellular matrix complex subunit 1; plus strand). Cytogenetic location: 4q21.21.
Variant type: single nucleotide variant.
Coding change: c.1255+5G>A on transcript NM_025074.7 (MANE Select); 5 bases into the intron after coding-DNA position 1255, G replaced by A.
Molecular consequence: intron variant.
Genome position (GRCh38, 1-based): chr4:78,282,972, G>A. VCF-style: chr4-78282972-G-A. GRCh37 (hg19) VCF-style: chr4-79204126-G-A.
Other names: c.1255+5G>A (NM_001166133.2).
Identifiers: ClinVar variation 1050649 (VCV001050649.1), dbSNP rs1341149556, ClinGen allele CA798733807.

ClinVar aggregate classification (germline): Uncertain significance (0 of 4 stars; one submission).

Allele frequency attached by ClinVar (database versions not stated): TOPMed below 0.00001.

Submission:

Department of Pathology and Laboratory Medicine, Sinai Health System
Classification: Uncertain significance. Review status: no assertion criteria provided. Collection method: clinical testing. Allele origin: unknown. Affected: yes. Study: The Canadian Open Genetics Repository (COGR).
Comment: The FRAS1 c.1255+5G>A variant was not identified in the literature nor was it identified in ClinVar or LOVD 3.0. The variant was identified in dbSNP (ID: rs1341149556) but was not identified in the following control databases: the 1000 Genomes Project, the NHLBI GO Exome Sequencing Project, or the Genome Aggregation Database (March 6, 2019, v2.1.1). The c.1255+5G>A variant is located in the 5' splice region but does not affect the invariant +1 and +2 positions. However, positions +3 to +6 are part of the splicing consensus sequence and variants involving these positions sometimes affect splicing. In addition, 3 of 4 in silico or computational prediction software programs (SpliceSiteFinder, MaxEntScan, NNSPLICE, GeneSplicer) predict a greater than 10% difference in splicing. However this has not been confirmed through RNA analysis. In summary, based on the above information the clinical significance of this variant cannot be determined with certainty at this time. This variant is classified as a variant of uncertain significance.